The following is an entry in ClinVar:

NM_000310.4(PPT1):c.896C>T (p.Ala299Val)

Gene: PPT1 (palmitoyl-protein thioesterase 1; minus strand). Cytogenetic location: 1p34.2.
Variant type: single nucleotide variant.
Coding change: c.896C>T on transcript NM_000310.4 (MANE Select); coding-DNA position 896, C replaced by T.
Protein change: p.Ala299Val; replaces alanine 299 with valine.
Molecular consequence: missense variant.
Genome position (GRCh38, 1-based): chr1:40,074,086, G>A on the plus strand (C>T on the coding strand, the complement: PPT1 is on the minus strand). VCF-style: chr1-40074086-G-A. GRCh37 (hg19) VCF-style: chr1-40539758-G-A.
Other names: c.587C>T, p.Ala196Val (NM_001142604.2); c.824C>T, p.Ala275Val (NM_001363695.2); short protein forms A299V, A196V, A275V.
Identifiers: ClinVar variation 852229 (VCV000852229.9), dbSNP rs768943497, ClinGen allele CA789541.

ClinVar aggregate classification (germline): Uncertain significance. Review status: criteria provided, single submitter (1 of 4 stars). 2 submissions from 2 submitters: Uncertain significance (1). 1 of the submissions does not count toward it. Last evaluated 2021-08-20.

Conditions:
Neuronal ceroid lipofuscinosis 1 (CLN1). Also called: CEROID LIPOFUSCINOSIS, NEURONAL, 1, VARIABLE AGE AT ONSET; PPT1-Related Neuronal Ceroid-Lipofuscinosis. Identifiers: Orphanet 228329, MedGen C1850451, MONDO:0009744, OMIM 256730.

Allele frequency attached by ClinVar (database versions not stated): gnomAD below 0.00001 and 0.00001; ExAC 0.00001; gnomAD exomes 0.00001 and 0.00002; TOPMed 0.00001.
gnomAD v4.1: 18 of 1,613,988 alleles (0.0011%); highest among the groups gnomAD compares: South Asian, 0.015%; no homozygotes.

Submissions (2):

Labcorp Genetics (formerly Invitae), Labcorp
Classification: Uncertain significance for Neuronal ceroid lipofuscinosis 1. Last evaluated: 2021-08-20. Review status: criteria provided, single submitter. Criteria: Invitae Variant Classification Sherloc (09022015). Collection method: clinical testing. Allele origin: germline.
Comment: This sequence change replaces alanine with valine at codon 299 of the PPT1 protein (p.Ala299Val). The alanine residue is weakly conserved and there is a small physicochemical difference between alanine and valine. This variant is present in population databases (rs768943497, ExAC 0.006%). This variant has not been reported in the literature in individuals affected with PPT1-related conditions. Algorithms developed to predict the effect of missense changes on protein structure and function (SIFT, PolyPhen-2, Align-GVGD) all suggest that this variant is likely to be tolerated. In summary, the available evidence is currently insufficient to determine the role of this variant in disease. Therefore, it has been classified as a Variant of Uncertain Significance.

Natera, Inc.
Classification: Uncertain significance for Neuronal ceroid lipofuscinosis 1. Last evaluated: 2020-08-05. Review status: no assertion criteria provided. Collection method: clinical testing. Allele origin: germline. Not counted in ClinVar's aggregate classification.